The following is an entry in ClinVar:

NM_212482.4(FN1):c.5168T>C (p.Ile1723Thr)

Gene: FN1 (fibronectin 1; minus strand). Cytogenetic location: 2q35.
Variant type: single nucleotide variant.
Coding change: c.5168T>C on transcript NM_212482.4 (MANE Select); coding-DNA position 5168, T replaced by C.
Protein change: p.Ile1723Thr; replaces isoleucine 1723 with threonine.
Molecular consequence: missense variant. On other transcripts: intron variant (10).
Genome position (GRCh38, 1-based): chr2:215,381,077, A>G on the plus strand (T>C on the coding strand, the complement: FN1 is on the minus strand). VCF-style: chr2-215381077-A-G. GRCh37 (hg19) VCF-style: chr2-216245800-A-G.
Other names: c.5164+1135T>C (NM_001365522.2, NM_001365519.2, NM_001365521.2 and 2 more transcripts); c.5168T>C, p.Ile1723Thr (NM_001306129.2); c.4895T>C, p.Ile1632Thr (NM_001365518.2, NM_001365520.2, NM_001365524.2 and 2 more transcripts); c.4891+1135T>C (NM_212474.3, NM_001306132.2, NM_001365523.2 and 2 more transcripts); short protein forms I1632T, I1723T.
Identifiers: ClinVar variation 2962488 (VCV002962488.3), dbSNP rs372216190, ClinGen allele CA64855540.
Genomic context (GRCh38, chr2:215,381,077, plus strand): 5'-CAAGCAATTTTGATGGAATCGACATCCACATCAGTGAATGCCAGTCCTTTAGGGCGATCA[A>G]TGTCTGTTAGGCAAATTAATGGTAAGAGGTTATGTGAAAAGCAAGTTGTGAAATAAGCAT-3'
Protein context (NP_997647.2, residues 1713-1733): QPLVQTAVTN[Ile1723Thr]DRPKGLAFTD

ClinVar aggregate classification (germline): Uncertain significance (1 of 4 stars; one submission).

Allele frequency attached by ClinVar (database versions not stated): gnomAD exomes below 0.00001; ESP Exome Variant Server 0.00008.
gnomAD v4.1: 9 of 1,614,000 alleles (0.00056%); highest among the groups gnomAD compares: East Asian, 0.0045%; no homozygotes.

Submission:

Labcorp Genetics (formerly Invitae), Labcorp
Classification: Uncertain significance. Last evaluated: 2024-05-02. Review status: criteria provided, single submitter. Criteria: Invitae Variant Classification Sherloc (09022015). Collection method: clinical testing. Allele origin: germline.
Comment: This sequence change replaces isoleucine, which is neutral and non-polar, with threonine, which is neutral and polar, at codon 1723 of the FN1 protein (p.Ile1723Thr). This variant is present in population databases (rs372216190, gnomAD 0.007%). This variant has not been reported in the literature in individuals affected with FN1-related conditions. An algorithm developed to predict the effect of missense changes on protein structure and function (PolyPhen-2) suggests that this variant is likely to be disruptive. In summary, the available evidence is currently insufficient to determine the role of this variant in disease. Therefore, it has been classified as a Variant of Uncertain Significance.